The following is an entry in ClinVar:

NM_000313.4(PROS1):c.1252A>T (p.Asn418Tyr)

Gene: PROS1 (protein S; minus strand). Cytogenetic location: 3q11.1.
Variant type: single nucleotide variant.
Coding change: c.1252A>T on transcript NM_000313.4 (MANE Select); coding-DNA position 1252, A replaced by T.
Protein change: p.Asn418Tyr; replaces asparagine 418 with tyrosine.
Molecular consequence: missense variant.
Genome position (GRCh38, 1-based): chr3:93,886,407, T>A on the plus strand (A>T on the coding strand, the complement: PROS1 is on the minus strand). VCF-style: chr3-93886407-T-A. GRCh37 (hg19) VCF-style: chr3-93605251-T-A.
Other names: c.1348A>T, p.Asn450Tyr (NM_001314077.2); short protein forms N418Y, N450Y.
Identifiers: ClinVar variation 1048665 (VCV001048665.2), dbSNP rs753603433, ClinGen allele CA2503240.

ClinVar aggregate classification (germline): Likely pathogenic. Review status: criteria provided, single submitter (1 of 4 stars). 2 submissions from 2 submitters: Likely pathogenic (1). 1 of the submissions does not count toward it. Last evaluated 2021-02-23.

Conditions:
Thrombophilia due to protein S deficiency, autosomal dominant (THPH5). Identifiers: Orphanet 26349, Orphanet 743, MedGen C3278211, MONDO:0012868, OMIM 612336. Disease mechanism: loss of function.

Allele frequency attached by ClinVar (database versions not stated): ExAC 0.00001; gnomAD 0.00001; gnomAD exomes below 0.00001 and 0.00001; TOPMed 0.00002.
gnomAD v4.1: 15 of 1,613,816 alleles (0.00093%); highest among the groups gnomAD compares: Non-Finnish European, 0.0013%; no homozygotes.

Submissions (2):

MVZ Martinsried, Medicover Genetics
Classification: Likely pathogenic for Thrombophilia due to protein S deficiency, autosomal dominant. Last evaluated: 2021-02-23. Review status: criteria provided, single submitter. Criteria: ACGS Guidelines, 2020. Collection method: clinical testing. Allele origin: unknown. Affected: yes.

Department of Transfusion Medicine and Hemostaseology, University Hospital Erlangen
Classification: Uncertain significance for Thrombophilia due to protein S deficiency, autosomal dominant. Last evaluated: 2025-09-01. Review status: no assertion criteria provided. Collection method: clinical testing. Allele origin: germline. Not counted in ClinVar's aggregate classification.
Comment: This variant was identified during a screening of patients with suspected hereditary Protein S deficiency. It has been described insufficiently in the literature as correlating with protein S deficiency (PMID: 22261441) and has not been characterized in vitro. According to dbSNP it represents a very rare genetic alteration, previously detected in the European population in heterozygous state only according to the Allele Frequency Aggregator dataset. While PolyPhen-2 and SIFT classify this variant as of uncertain significance, it is classified as likely benign by AlphaMissense. Taken together, we classified this variant as of uncertain significance.

Literature cited by the submitters: PubMed 22261441 (cited by Department of Transfusion Medicine and Hemostaseology, University Hospital Erlangen).